The following is an entry in ClinVar:

ClinVar aggregate classification (germline): Conflicting classifications of pathogenicity. Review status: criteria provided, conflicting classifications (1 of 4 stars). 5 submissions from 5 submitters: Uncertain significance (3); Benign (1). 1 of the submissions does not count toward it. Last evaluated 2025-12-21.

Conditions:
Arthrogryposis, distal, IIa 11. Also called: Arthrogryposis, distal, type 11. Identifiers: MedGen C5774205, MONDO:0031045, OMIM 620019.
MET-related disorder. Also called: MET-related condition.
Renal cell carcinoma. Identifiers: Orphanet 217071, MedGen C0007134, MeSH D002292, MONDO:0005086, HP:0005584.
Hereditary cancer-predisposing syndrome. Also called: Neoplastic Syndromes, Hereditary; Hereditary Cancer Syndrome; Tumor predisposition; Hereditary neoplastic syndrome. Identifiers: Orphanet 140162, MedGen C0027672, MeSH D009386, MONDO:0015356.

Allele frequency attached by ClinVar (database versions not stated): gnomAD exomes 0.00001 and 0.00003; ExAC 0.00007.
gnomAD v4.1: 12 of 1,614,130 alleles (0.00074%); highest among the groups gnomAD compares: South Asian, 0.012%; no homozygotes.

Submissions (5):

Labcorp Genetics (formerly Invitae), Labcorp
Classification: Uncertain significance for Renal cell carcinoma. Last evaluated: 2025-12-21. Review status: criteria provided, single submitter. Criteria: Invitae Variant Classification Sherloc (09022015). Collection method: clinical testing. Allele origin: germline.
Comment: This sequence change replaces methionine, which is neutral and non-polar, with valine, which is neutral and non-polar, at codon 431 of the MET protein (p.Met431Val). This variant is present in population databases (rs766929091, gnomAD 0.03%). This variant has not been reported in the literature in individuals affected with MET-related conditions. ClinVar contains an entry for this variant (Variation ID: 572844). Invitae Evidence Modeling of protein sequence and biophysical properties (such as structural, functional, and spatial information, amino acid conservation, physicochemical variation, residue mobility, and thermodynamic stability) indicates that this missense variant is not expected to disrupt MET protein function with a negative predictive value of 80%. In summary, the available evidence is currently insufficient to determine the role of this variant in disease. Therefore, it has been classified as a Variant of Uncertain Significance.

Ambry Genetics
Classification: Benign for Hereditary cancer-predisposing syndrome. Last evaluated: 2023-11-21. Review status: criteria provided, single submitter. Criteria: Ambry Variant Classification Scheme 2023. Collection method: clinical testing. Allele origin: germline.

Neuberg Centre For Genomic Medicine, NCGM
Classification: Uncertain significance for Arthrogryposis, distal, IIa 11. Last evaluated: 2023-02-14. Review status: criteria provided, single submitter. Criteria: ACMG Guidelines, 2015. Collection method: clinical testing. Allele origin: germline. Inheritance: Autosomal dominant inheritance. Affected: yes.
Comment: The missense c.1291A>G (p.Met431Val) variant in MET gene has not been reported previously as a pathogenic variant nor as a benign variant, to our knowledge. The p.Met431Va variant has allele frequency 0.003% in gnomAD Exomes and is novel (not in any individuals) in 1000 Genomes. This variant has been reported to the ClinVar database as Uncertain Significance. The amino acid change p.Met431Val in MET is predicted as conserved by GERP++ and PhyloP across 100 vertebrates. The amino acid Met at position 431 is changed to a Val changing protein sequence and it might alter its composition and physico-chemical properties. For these reasons, this variant has been classified as Variant of Uncertain Significance (VUS).

GeneDx
Classification: Uncertain significance. Last evaluated: 2022-11-07. Review status: criteria provided, single submitter. Criteria: GeneDx Variant Classification Process June 2021. Collection method: clinical testing. Allele origin: germline. Affected: yes.
Comment: In silico analysis supports that this missense variant does not alter protein structure/function; Has not been previously published as pathogenic or benign to our knowledge

PreventionGenetics, part of Exact Sciences
Classification: Uncertain significance for MET-related condition. Last evaluated: 2024-08-28. Review status: no assertion criteria provided. Collection method: clinical testing. Allele origin: germline. Not counted in ClinVar's aggregate classification.
Comment: The MET c.1A>G variant is predicted to disrupt the translation initiation site (Start Loss). This variant is also known as c.1291A>G (p.Met431Val) under the hereditary cancer primary transcript NM_000245.4. To our knowledge, this variant has not been reported in the literature. This variant is reported in 0.026% of alleles in individuals of South Asian descent in gnomAD. This variant is interpreted as a variant of uncertain significance by majority of the submitters in ClinVar. At this time, the clinical significance of this variant is uncertain due to the absence of conclusive functional and genetic evidence.

NM_000245.4(MET):c.1291A>G (p.Met431Val)

Gene: MET (MET proto-oncogene, receptor tyrosine kinase; plus strand). Cytogenetic location: 7q31.2.
Variant type: single nucleotide variant.
Coding change: c.1291A>G on transcript NM_000245.4 (MANE Select); coding-DNA position 1291, A replaced by G.
Protein change: p.Met431Val; replaces methionine 431 with valine.
Molecular consequence: missense variant. On other transcripts: initiator codon variant (1).
Genome position (GRCh38, 1-based): chr7:116,731,758, A>G. VCF-style: chr7-116731758-A-G. GRCh37 (hg19) VCF-style: chr7-116371812-A-G.
Other names: c.1291A>G, p.Met431Val (NM_001127500.3, NM_001324401.3); c.1A>G, p.Met1Val (NM_001324402.2); c.1A>G (NM_001324402.1); short protein forms M431V, M1V.
Identifiers: ClinVar variation 572844 (VCV000572844.16), dbSNP rs766929091, ClinGen allele CA4448129.